The following is an entry in ClinVar:

ClinVar aggregate classification (germline): Benign. Review status: reviewed by expert panel (3 of 4 stars). 22 submissions from 22 submitters: Benign (1). 21 of the submissions do not count toward it. Last evaluated 2013-09-05.

Conditions:
Hereditary nonpolyposis colorectal neoplasms. Identifiers: MedGen C0009405, MeSH D003123.
Breast and/or ovarian cancer. Identifiers: MedGen CN221562.
Hereditary cancer-predisposing syndrome. Also called: Hereditary neoplastic syndrome; Neoplastic Syndromes, Hereditary; Hereditary Cancer Syndrome; Tumor predisposition. Identifiers: Orphanet 140162, MedGen C0027672, MeSH D009386, MONDO:0015356.
Lynch syndrome. Identifiers: Orphanet 144, MedGen C4552100, MONDO:0005835. Disease mechanism: loss of function.
Lynch syndrome 4 (LYNCH4). Also called: Colorectal cancer, hereditary nonpolyposis, type 4; Hereditary non-polyposis colorectal cancer, type 4. Identifiers: Orphanet 144, MedGen C1838333, MONDO:0013699, OMIM 614337. Disease mechanism: loss of function.
Endometrial carcinoma. Also called: Endometrial carcinoma, somatic. Identifiers: MedGen C0476089, MONDO:0002447, OMIM 608089, HP:0012114.

Allele frequency attached by ClinVar (database versions not stated): ExAC 0.00044; 1000 Genomes Project 30x 0.00094; gnomAD 0.00107 and 0.00117; 1000 Genomes Project 0.00120; ESP Exome Variant Server 0.00177; gnomAD exomes 0.00010 and 0.00032.
gnomAD v4.1: 310 of 1,605,516 alleles (0.019%); highest among the groups gnomAD compares: African/African-American, 0.39%; 5 homozygotes.

Submissions (22):

International Society for Gastrointestinal Hereditary Tumours (InSiGHT)
Classification: Benign for Lynch Syndrome. Last evaluated: 2013-09-05. Review status: reviewed by expert panel. Criteria: Guidelines v1.9. Collection method: research. Allele origin: germline.
Comment: MAF >1%

Classified with v1.9 guidelines
ClinVar note: Converted during submission from no known pathogenicity to Benign.

Labcorp Genetics (formerly Invitae), Labcorp
Classification: Benign for Hereditary nonpolyposis colorectal neoplasms. Last evaluated: 2026-02-04. Review status: criteria provided, single submitter. Criteria: Invitae Variant Classification Sherloc (09022015). Collection method: clinical testing. Allele origin: germline. Not counted in ClinVar's aggregate classification.

ARUP Laboratories, Molecular Genetics and Genomics, ARUP Laboratories
Classification: Benign. Last evaluated: 2025-07-30. Review status: criteria provided, single submitter. Criteria: ARUP Molecular Germline Variant Investigation Process 2024. Collection method: clinical testing. Allele origin: germline. Not counted in ClinVar's aggregate classification.

Center for Genomic Medicine, Rigshospitalet, Copenhagen University Hospital
Classification: Benign. Last evaluated: 2025-03-04. Review status: criteria provided, single submitter. Criteria: ACMG Guidelines, 2015. Collection method: clinical testing. Allele origin: germline. Not counted in ClinVar's aggregate classification.

Blueprint Genetics
Classification: Likely benign. Last evaluated: 2024-03-07. Review status: criteria provided, single submitter. Criteria: ACMG Guidelines, 2015. Collection method: clinical testing. Allele origin: germline. Not counted in ClinVar's aggregate classification.

Myriad Genetics, Inc.
Classification: Benign for Lynch syndrome 4. Last evaluated: 2023-04-05. Review status: criteria provided, single submitter. Criteria: Myriad Autosomal Dominant, Autosomal Recessive and X-Linked Classification Criteria (2023). Collection method: clinical testing. Allele origin: unknown. Not counted in ClinVar's aggregate classification.
Comment: This variant is considered benign. This variant is a silent/synonymous amino acid change and it is not expected to impact splicing.

CHEO Genetics Diagnostic Laboratory, Children's Hospital of Eastern Ontario
Classification: Likely benign for Breast and/or ovarian cancer. Last evaluated: 2022-08-11. Review status: criteria provided, single submitter. Criteria: ACMG Guidelines, 2015. Collection method: clinical testing. Allele origin: germline. Not counted in ClinVar's aggregate classification.

Genetic Services Laboratory, University of Chicago
Classification: Likely benign. Last evaluated: 2021-12-01. Review status: criteria provided, single submitter. Criteria: ACMG Guidelines, 2015. Collection method: clinical testing. Allele origin: germline. Affected: no. Not counted in ClinVar's aggregate classification.

Color Diagnostics, LLC DBA Color Health
Classification: Benign for Hereditary cancer-predisposing syndrome. Last evaluated: 2021-07-26. Review status: criteria provided, single submitter. Criteria: ACMG Guidelines, 2015. Collection method: clinical testing. Allele origin: germline. Not counted in ClinVar's aggregate classification.

Sema4
Classification: Benign for Hereditary cancer-predisposing syndrome. Last evaluated: 2020-11-30. Review status: criteria provided, single submitter. Criteria: Sema4 Curation Guidelines. Collection method: curation. Allele origin: germline. Not counted in ClinVar's aggregate classification.

Eurofins Ntd Llc (ga)
Classification: Benign. Last evaluated: 2016-03-15. Review status: criteria provided, single submitter. Criteria: EGL Classification Definitions 2015. Collection method: clinical testing. Allele origin: germline. Observed: 17 variant alleles, 15 heterozygotes, 2 homozygotes. Not counted in ClinVar's aggregate classification.

Ambry Genetics
Classification: Benign for Hereditary cancer-predisposing syndrome. Last evaluated: 2014-09-15. Review status: criteria provided, single submitter. Criteria: Ambry Variant Classification Scheme 2023. Collection method: clinical testing. Allele origin: germline. Not counted in ClinVar's aggregate classification.

GeneDx
Classification: Benign. Last evaluated: 2013-11-06. Review status: criteria provided, single submitter. Criteria: GeneDx Variant Classification (06012015). Collection method: clinical testing. Allele origin: germline. Affected: yes. Not counted in ClinVar's aggregate classification.
Comment: This variant is considered likely benign or benign based on one or more of the following criteria: it is a conservative change, it occurs at a poorly conserved position in the protein, it is predicted to be benign by multiple in silico algorithms, and/or has population frequency not consistent with disease.

PreventionGenetics, part of Exact Sciences
Classification: Benign. Review status: criteria provided, single submitter. Criteria: ACMG Guidelines, 2015. Collection method: clinical testing. Allele origin: germline. Not counted in ClinVar's aggregate classification.

True Health Diagnostics
Classification: Likely benign for Hereditary cancer-predisposing syndrome. Last evaluated: 2017-08-22. Review status: no assertion criteria provided. Collection method: clinical testing. Allele origin: germline. Not counted in ClinVar's aggregate classification.

Counsyl
Classification: Benign for Lynch syndrome 4. Last evaluated: 2017-06-29. Review status: no assertion criteria provided. Collection method: clinical testing. Allele origin: unknown. Not counted in ClinVar's aggregate classification.

ITMI
No classification provided. Condition: AllHighlyPenetrant. Last evaluated: 2013-09-19. Review status: no classification provided. Collection method: reference population. Allele origin: germline. Not counted in ClinVar's aggregate classification.
Comment: Please see associated publication for description of ethnicities

Clinical Genetics DNA and cytogenetics Diagnostics Lab, Erasmus MC, Erasmus Medical Center
Classification: Benign. Review status: no assertion criteria provided. Collection method: clinical testing. Allele origin: germline. Affected: yes. Study: VKGL Data-share Consensus. Not counted in ClinVar's aggregate classification.

Department of Pathology and Laboratory Medicine, Sinai Health System
Classification: Benign for Endometrial carcinoma. Review status: no assertion criteria provided. Collection method: clinical testing. Allele origin: unknown. Affected: yes. Study: The Canadian Open Genetics Repository (COGR). Not counted in ClinVar's aggregate classification.
Comment: PMS2, Exon 14, c.2340C>T, p.Pro780Pro, Benign (ACMG 5)rnThe c.2340C>T variant was not identified in the literature. The variant was also identified in dbSNP (ID: rs142230276 )â€šÃ„ÃºWith untested alleleâ€šÃ„Ã¹, with a minor allele frequency of 0.0012 (1000 Genomes Project), HGMD, COSMIC, MutDB, â€šÃ„ÃºMismatch Repair Genes Variant Databaseâ€šÃ„Ã¹, â€šÃ„ÃºMMR Gene Unclassified Variants Databaseâ€šÃ„Ã¹, â€šÃ„ÃºInSiGHT Colon Cancer Databaseâ€šÃ„Ã¹, â€šÃ„ÃºZhejiang Colon Cancer Databaseâ€šÃ„Ã¹, and in the ClinVar database with 3 separate submitters as a benign/likely benign variant. The variant was classified as â€šÃ„Ãºunclassifiedâ€šÃ„Ã¹ by a clinical laboratory within the Canadian Open Genetics Repository. The variant was identified by the Exome Variant Server project in 23 of 4392 African American alleles (frequency: 0.005), although this low number of observations and low frequency is not substantive enough to determine the prevalence of the variant in the general population and its relationship to disease. The p.Pro780Pro variant is not expected to have clinical significance because it does not result in a change of amino acid and is not located in a known consensus splice site. In addition, in silico or computational prediction software programs (SpliceSiteFinder, MaxEntScan, NNSPLICE, GeneSplicer, HumanSpliceFinder) do not predict a difference in splicing. In summary, based on the above information, this variant meets our laboratory's criteria to be classified as benign.rnrnrnrnrnrnrnIn summary, based on the above information, the clinical significance of this variant cannot be determined with certainty at this time. This variant is classified as a variant of unknown significance.

Joint Genome Diagnostic Labs from Nijmegen and Maastricht, Radboudumc and MUMC+
Classification: Benign. Review status: no assertion criteria provided. Collection method: clinical testing. Allele origin: germline. Affected: yes. Study: VKGL Data-share Consensus. Not counted in ClinVar's aggregate classification.

Laboratory of Diagnostic Genome Analysis, Leiden University Medical Center (LUMC)
Classification: Likely benign. Review status: no assertion criteria provided. Collection method: clinical testing. Allele origin: germline. Affected: yes. Study: VKGL Data-share Consensus. Not counted in ClinVar's aggregate classification.

Mayo Clinic Laboratories, Mayo Clinic
Classification: Benign. Review status: no assertion criteria provided. Collection method: clinical testing. Allele origin: unknown. Not counted in ClinVar's aggregate classification.

Literature cited by the submitters: PubMed 23709753 (cited by Counsyl); PubMed 20186688 (cited by Counsyl); PubMed 16619239 (cited by Counsyl); PubMed 19526325 (cited by Counsyl); PubMed 17139668 (cited by Counsyl); PubMed 24728327 (cited by ITMI).

NM_000535.7(PMS2):c.2340C>T (p.Pro780=)

Gene: PMS2 (PMS1 homolog 2, mismatch repair system component; minus strand). Cytogenetic location: 7p22.1.
Variant type: single nucleotide variant.
Coding change: c.2340C>T on transcript NM_000535.7 (MANE Select); coding-DNA position 2340, C replaced by T.
Protein change: p.Pro780=; no amino-acid change (proline 780 retained).
Molecular consequence: synonymous variant. On other transcripts: non-coding transcript variant (1).
Genome position (GRCh38, 1-based): chr7:5,977,693, G>A on the plus strand (C>T on the coding strand, the complement: PMS2 is on the minus strand). VCF-style: chr7-5977693-G-A. GRCh37 (hg19) VCF-style: chr7-6017324-G-A.
Other names: p.P780P:CCC>CCT; c.1935C>T, p.Pro645= (NM_001322003.2, NM_001322004.2, NM_001322005.2); c.2184C>T, p.Pro728= (NM_001322006.2); c.2022C>T, p.Pro674= (NM_001322007.2, NM_001322008.2); c.1968C>T, p.Pro656= (NM_001322009.2); c.1779C>T, p.Pro593= (NM_001322010.2); c.1407C>T, p.Pro469= (NM_001322011.2, NM_001322012.2); c.1767C>T, p.Pro589= (NM_001322013.2); and 2 more.
Identifiers: ClinVar variation 91337 (VCV000091337.57), dbSNP rs142230276, ClinGen allele CA011284.
Genomic context (GRCh38, chr7:5,977,693, plus strand): 5'-AGGCCGGCACATGACCCCAGGGCTGTCGCTCAGCATGAAGATCAGTTCATCGACGTCCTG[G>A]GGTCCGAAGGTCCAGTTTTTACTAGTTGGCAAGGAAATCAGTTTAGCCCTTTCAGTGACT-3'
Protein context (NP_000526.2, residues 770-790): LPTSKNWTFG[Pro780=]QDVDELIFML